The following is an entry in ClinVar:

NM_004360.5(CDH1):c.394G>A (p.Val132Ile)

Gene: CDH1 (cadherin 1; plus strand). Cytogenetic location: 16q22.1.
Variant type: single nucleotide variant.
Coding change: c.394G>A on transcript NM_004360.5 (MANE Select); coding-DNA position 394, G replaced by A.
Protein change: p.Val132Ile; replaces valine 132 with isoleucine.
Molecular consequence: missense variant. On other transcripts: 5 prime UTR variant (2).
Genome position (GRCh38, 1-based): chr16:68,808,430, G>A. VCF-style: chr16-68808430-G-A. GRCh37 (hg19) VCF-style: chr16-68842333-G-A.
Other names: NM_004360.5(CDH1):c.394G>A; p.Val132Ile; c.394G>A (LRG_301t1); c.394G>A, p.Val132Ile (NM_001317184.2); c.-1222G>A (NM_001317185.2); c.-1426G>A (NM_001317186.2); short protein forms V132I.
Identifiers: ClinVar variation 142546 (VCV000142546.36), dbSNP rs142498771, ClinGen allele CA168677.

ClinVar aggregate classification (germline): Likely benign. Review status: reviewed by expert panel (3 of 4 stars). 11 submissions from 11 submitters: Likely benign (1). 10 of the submissions do not count toward it. Last evaluated 2023-08-03.

Conditions:
CDH1-related diffuse gastric and lobular breast cancer syndrome. Also called: CDH1-related diffuse gastric and lobular breast cancer. Identifiers: MedGen CN311521, MONDO:0100488.
CDH1-related disorder. Also called: CDH1-related condition.
Hereditary cancer-predisposing syndrome. Also called: Tumor predisposition; Neoplastic Syndromes, Hereditary; Hereditary neoplastic syndrome; Hereditary Cancer Syndrome. Identifiers: Orphanet 140162, MedGen C0027672, MeSH D009386, MONDO:0015356.
Hereditary diffuse gastric adenocarcinoma (HDGC). Also called: DIFFUSE GASTRIC AND LOBULAR BREAST CANCER SYNDROME. Identifiers: Orphanet 26106, MedGen C1708349, MONDO:0007648, OMIM 137215.

Allele frequency attached by ClinVar (database versions not stated): ExAC 0.00003; gnomAD exomes 0.00003; ESP Exome Variant Server 0.00008; gnomAD 0.00013 and 0.00015; 1000 Genomes Project 30x 0.00016; TOPMed 0.00018.
gnomAD v4.1: 66 of 1,614,022 alleles (0.0041%); highest among the groups gnomAD compares: African/African-American, 0.044%; no homozygotes.

Submissions (11):

Clingen Gastric Cancer Variant Curation Expert Panel
Classification: Likely benign for CDH1-related diffuse gastric and lobular breast cancer syndrome. Last evaluated: 2023-08-03. Review status: reviewed by expert panel. Criteria: ClinGen CDH1 ACMG Specifications V3.1. Collection method: curation. Allele origin: germline. Inheritance: Autosomal dominant inheritance.
Comment: The NM_004360.5(CDH1):c.394G>A (p.Val132Ile) variant has been observed in >10 individuals without a diagnosis of diffuse gastric cancer, signet ring tumor or lobular breast cancer and whose family histories do not suggest HDGC (BS2; internal laboratory contributors). In summary, the clinical significance of this variant is classified as likely benign based on BS2 alone. ACMG/AMP criteria applied, as specified by the CDH1 Variant Curation Expert Panel: BS2. (CDH1 VCEP specifications version 3.1; 04/24/2023)

PreventionGenetics, part of Exact Sciences
Classification: Likely benign for CDH1-related condition. Last evaluated: 2026-08-15. Review status: criteria provided, single submitter. Criteria: ACMG Guidelines, 2015. Collection method: clinical testing. Allele origin: germline. Not counted in ClinVar's aggregate classification.
Comment: This variant is classified as likely benign based on ACMG/AMP sequence variant interpretation guidelines (Richards et al. 2015 PMID: 25741868, with internal and published modifications).

Labcorp Genetics (formerly Invitae), Labcorp
Classification: Benign for Hereditary diffuse gastric adenocarcinoma. Last evaluated: 2026-01-27. Review status: criteria provided, single submitter. Criteria: Invitae Variant Classification Sherloc (09022015). Collection method: clinical testing. Allele origin: germline. Not counted in ClinVar's aggregate classification.

Color Diagnostics, LLC DBA Color Health
Classification: Benign for Hereditary cancer-predisposing syndrome. Last evaluated: 2024-09-25. Review status: criteria provided, single submitter. Criteria: ACMG Guidelines, 2015. Collection method: clinical testing. Allele origin: germline. Not counted in ClinVar's aggregate classification.

Myriad Genetics, Inc.
Classification: Uncertain significance for Hereditary diffuse gastric adenocarcinoma. Last evaluated: 2023-03-06. Review status: criteria provided, single submitter. Criteria: Myriad Autosomal Dominant, Autosomal Recessive and X-Linked Classification Criteria (2023). Collection method: clinical testing. Allele origin: unknown. Not counted in ClinVar's aggregate classification.
Comment: This variant is classified as a variant of uncertain significance as there is insufficient evidence to determine its impact on protein function and/or cancer risk.

Quest Diagnostics Nichols Institute San Juan Capistrano
Classification: Likely benign. Last evaluated: 2022-11-11. Review status: criteria provided, single submitter. Criteria: Quest Diagnostics criteria. Collection method: clinical testing. Allele origin: unknown. Not counted in ClinVar's aggregate classification.

Sema4
Classification: Likely benign for Hereditary cancer-predisposing syndrome. Last evaluated: 2021-05-31. Review status: criteria provided, single submitter. Criteria: Sema4 Curation Guidelines. Collection method: curation. Allele origin: germline. Not counted in ClinVar's aggregate classification.

Women's Health and Genetics/Laboratory Corporation of America, LabCorp
Classification: Benign. Last evaluated: 2020-06-16. Review status: criteria provided, single submitter. Criteria: LabCorp Variant Classification Summary - May 2015. Collection method: clinical testing. Allele origin: germline. Inheritance: Autosomal dominant inheritance. Not counted in ClinVar's aggregate classification.
Comment: Variant summary: CDH1 c.394G>A (p.Val132Ile) results in a conservative amino acid change in the encoded protein sequence. Five of five in-silico tools predict a benign effect of the variant on protein function. The variant allele was found at a frequency of 5.3e-05 in 282708 control chromosomes, predominantly at a frequency of 0.00048 within the African or African-American subpopulation in the gnomAD database. The observed variant frequency within African or African-American control individuals in the gnomAD database is approximately 23 fold of the estimated maximal expected allele frequency for a pathogenic variant in CDH1 causing Hereditary Breast And Ovarian Cancer Syndrome phenotype (2.1e-05), strongly suggesting that the variant is a benign polymorphism found primarily in populations of African or African-American origin. c.394G>A has been reported in the literature in sequencing studies of individuals affected with breast cancer and colorectal cancer (example, Tung_2015, Yurgelun_2017). These report(s) do not provide unequivocal conclusions about association of the variant with Hereditary Breast And Ovarian Cancer Syndrome. To our knowledge, no experimental evidence demonstrating an impact on protein function has been reported. Seven clinical diagnostic laboratories have submitted clinical-significance assessments for this variant to ClinVar after 2014 without evidence for independent evaluation. Multiple laboratories reported the variant with conflicting assessments (benign, n=1; likely benign, n=3; VUS, n=3) with an emerging consensus towards a benign outcome since its previous evaluation. Based on the evidence outlined above, the variant was re-classified as benign.

GeneDx
Classification: Likely benign. Last evaluated: 2020-04-03. Review status: criteria provided, single submitter. Criteria: GeneDx Variant Classification Process June 2021. Collection method: clinical testing. Allele origin: germline. Affected: yes. Not counted in ClinVar's aggregate classification.
Comment: In silico analysis supports that this missense variant does not alter protein structure/function; Observed in individuals with breast or colorectal cancer (Tung 2015, Yurgelun 2017); This variant is associated with the following publications: (PMID: 28135145, 25186627)

Ambry Genetics
Classification: Likely benign for Hereditary cancer-predisposing syndrome. Last evaluated: 2019-02-12. Review status: criteria provided, single submitter. Criteria: Ambry Variant Classification Scheme 2023. Collection method: clinical testing. Allele origin: germline. Not counted in ClinVar's aggregate classification.

Counsyl
Classification: Uncertain significance for Hereditary diffuse gastric adenocarcinoma. Last evaluated: 2016-11-11. Review status: no assertion criteria provided. Collection method: clinical testing. Allele origin: unknown. Not counted in ClinVar's aggregate classification.

Literature cited by the submitters: PubMed 28135145 (cited by Quest Diagnostics Nichols Institute San Juan Capistrano and Women's Health and Genetics/Laboratory Corporation of America, LabCorp); PubMed 25186627 (cited by 3 submitters); PubMed 33471991 (cited by Quest Diagnostics Nichols Institute San Juan Capistrano); PubMed 33436027 (cited by Quest Diagnostics Nichols Institute San Juan Capistrano).